The following is an entry in ClinVar:

NM_000143.4(FH):c.164A>G (p.Asp55Gly)

Gene: FH (fumarate hydratase; minus strand). Cytogenetic location: 1q43.
Variant type: single nucleotide variant.
Coding change: c.164A>G on transcript NM_000143.4 (MANE Select); coding-DNA position 164, A replaced by G.
Protein change: p.Asp55Gly; replaces aspartic acid 55 with glycine.
Molecular consequence: missense variant.
Genome position (GRCh38, 1-based): chr1:241,517,285, T>C on the plus strand (A>G on the coding strand, the complement: FH is on the minus strand). VCF-style: chr1-241517285-T-C. GRCh37 (hg19) VCF-style: chr1-241680585-T-C.
Other names: short protein forms D55G.
Identifiers: ClinVar variation 958272 (VCV000958272.10), dbSNP rs1660245400, ClinGen allele CA345441969.
Genomic context (GRCh38, chr1:241,517,285, plus strand): 5'-GATCTCACGGTCTGGGCGCCATAATACTTATCATTTGGCACCTTTAGTTCACCAAAGGTA[T>C]CATATTCTATCCGGAAGGAATTTTGGCTTGCCTAAAGACAAGAATACAACACTATTACAA-3'
Protein context (NP_000134.2, residues 45-65): ASQNSFRIEY[Asp55Gly]TFGELKVPND

ClinVar aggregate classification (germline): Uncertain significance (1 of 4 stars; one submission).

Submission:

Labcorp Genetics (formerly Invitae), Labcorp
Classification: Uncertain significance. Last evaluated: 2025-07-30. Review status: criteria provided, single submitter. Criteria: Invitae Variant Classification Sherloc (09022015). Collection method: clinical testing. Allele origin: germline.
Comment: This sequence change replaces aspartic acid, which is acidic and polar, with glycine, which is neutral and non-polar, at codon 55 of the FH protein (p.Asp55Gly). This variant is not present in population databases (gnomAD no frequency). This variant has not been reported in the literature in individuals affected with FH-related conditions. ClinVar contains an entry for this variant (Variation ID: 958272). Invitae Evidence Modeling of protein sequence and biophysical properties (such as structural, functional, and spatial information, amino acid conservation, physicochemical variation, residue mobility, and thermodynamic stability) indicates that this missense variant is expected to disrupt FH protein function with a positive predictive value of 95%. In summary, the available evidence is currently insufficient to determine the role of this variant in disease. Therefore, it has been classified as a Variant of Uncertain Significance.